The following is an entry in ClinVar:

NM_000548.5(TSC2):c.2452dup (p.Ile818fs)

Gene: TSC2 (TSC complex subunit 2; plus strand). Cytogenetic location: 16p13.3.
Variant type: Duplication.
Coding change: c.2452dup on transcript NM_000548.5 (MANE Select); coding-DNA position 2452, one base duplicated (A; older notation c.2452dupA).
Protein change: p.Ile818fs; shifts the reading frame from isoleucine 818.
Molecular consequence: frameshift variant.
Genome position (GRCh38, 1-based): chr16:2,074,296, A duplicated. VCF-style (leftmost placement, unchanged base first): chr16-2074295-C-CA. GRCh37 (hg19) VCF-style: chr16-2124296-C-CA.
Other names: c.2452dup, p.Ile818fs (NM_001077183.3, NM_001114382.3, NM_001363528.2 and 3 more transcripts); c.2341dup, p.Ile781fs (NM_001318827.2); c.2305dup, p.Ile769fs (NM_001318829.2); c.1852dup, p.Ile618fs (NM_001318831.2); c.2485dup, p.Ile829fs (NM_001318832.2); short protein forms I769fs, I818fs, I618fs, I781fs, I829fs.
Identifiers: ClinVar variation 839858 (VCV000839858.9), dbSNP rs2088927807, ClinGen allele CA916081774.

ClinVar aggregate classification (germline): Pathogenic (1 of 4 stars; one submission).

Conditions:
Tuberous sclerosis 2 (TSC2). Identifiers: Orphanet 805, MedGen C1860707, MONDO:0013199, OMIM 613254.

Submission:

Labcorp Genetics (formerly Invitae), Labcorp
Classification: Pathogenic for Tuberous sclerosis 2. Last evaluated: 2022-07-05. Review status: criteria provided, single submitter. Criteria: Invitae Variant Classification Sherloc (09022015). Collection method: clinical testing. Allele origin: germline.
Comment: For these reasons, this variant has been classified as Pathogenic. ClinVar contains an entry for this variant (Variation ID: 839858). This premature translational stop signal has been observed in individual(s) with tuberous sclerosis complex (PMID: 27859028). This variant is not present in population databases (gnomAD no frequency). This sequence change creates a premature translational stop signal (p.Ile818Asnfs*65) in the TSC2 gene. It is expected to result in an absent or disrupted protein product. Loss-of-function variants in TSC2 are known to be pathogenic (PMID: 10205261, 17304050).

Literature cited by the submitters: PubMed 27859028; PubMed 10205261; PubMed 17304050.